The following is an entry in ClinVar:

NM_000535.7(PMS2):c.710_714del (p.Gln237fs)

Gene: PMS2 (PMS1 homolog 2, mismatch repair system component; minus strand). Cytogenetic location: 7p22.1.
Variant type: Deletion.
Coding change: c.710_714del on transcript NM_000535.7 (MANE Select); coding-DNA positions 710 to 714, 5 bases deleted (AAAGC; older notation c.710_714delAAAGC).
Protein change: p.Gln237fs; shifts the reading frame from glutamine 237.
Molecular consequence: frameshift variant. On other transcripts: 5 prime UTR variant (2), non-coding transcript variant (1).
Genome position (GRCh38, 1-based): chr7:5,997,415-5,997,419, GCTTT deleted on the plus strand (AAAGC on the coding strand, the reverse complement: PMS2 is on the minus strand); deleting any 5 consecutive bases within chr7:5,997,415-5,997,421 gives the same sequence; the c. name uses the placement nearest the transcript's 3' end. VCF-style (leftmost placement, unchanged base first): chr7-5997414-GGCTTT-G. GRCh37 (hg19) VCF-style: chr7-6037045-GGCTTT-G.
Other names: c.305_309del, p.Gln102fs (NM_001322003.2, NM_001322004.2, NM_001322005.2 and 2 more transcripts); c.710_714del, p.Gln237fs (NM_001322006.2, NM_001322014.2); c.392_396del, p.Gln131fs (NM_001322007.2, NM_001322008.2); c.-224_-220del (NM_001322011.2, NM_001322012.2); c.137_141del, p.Gln46fs (NM_001322013.2); c.401_405del, p.Gln134fs (NM_001322015.2); c.710_714delAAAGC (NM_000535.5); short protein forms Q102fs, Q134fs, Q237fs, Q131fs, Q46fs.
Identifiers: ClinVar variation 933965 (VCV000933965.11), dbSNP rs1784546407, ClinGen allele CA1139659576.

ClinVar aggregate classification (germline): Pathogenic. Review status: criteria provided, multiple submitters, no conflicts (2 of 4 stars). 2 submissions from 2 submitters: Pathogenic (2). Last evaluated 2025-06-13.

Conditions:
Hereditary nonpolyposis colorectal neoplasms. Identifiers: MedGen C0009405, MeSH D003123.
Hereditary cancer-predisposing syndrome. Also called: Neoplastic Syndromes, Hereditary; Hereditary Cancer Syndrome; Hereditary neoplastic syndrome; Tumor predisposition. Identifiers: Orphanet 140162, MedGen C0027672, MeSH D009386, MONDO:0015356.

Submissions (2):

Ambry Genetics
Classification: Pathogenic for Hereditary cancer-predisposing syndrome. Last evaluated: 2025-06-13. Review status: criteria provided, single submitter. Criteria: Ambry Variant Classification Scheme 2023. Collection method: clinical testing. Allele origin: germline.
Comment: The c.710_714delAAAGC pathogenic mutation, located in coding exon 7 of the PMS2 gene, results from a deletion of 5 nucleotides at nucleotide positions 710 to 714, causing a translational frameshift with a predicted alternate stop codon (p.Q237Pfs*10). This variant is considered to be rare based on population cohorts in the Genome Aggregation Database (gnomAD). This alteration is expected to result in loss of function by premature protein truncation or nonsense-mediated mRNA decay. As such, this alteration is interpreted as a disease-causing mutation.

Labcorp Genetics (formerly Invitae), Labcorp
Classification: Pathogenic for Hereditary nonpolyposis colorectal neoplasms. Last evaluated: 2019-06-12. Review status: criteria provided, single submitter. Criteria: Invitae Variant Classification Sherloc (09022015). Collection method: clinical testing. Allele origin: germline.
Comment: This sequence change creates a premature translational stop signal (p.Gln237Profs*10) in the PMS2 gene. It is expected to result in an absent or disrupted protein product. For these reasons, this variant has been classified as Pathogenic. Loss-of-function variants in PMS2 are known to be pathogenic (PMID: 21376568, 24362816). This variant has not been reported in the literature in individuals with PMS2-related conditions. This variant is not present in population databases (ExAC no frequency).

Literature cited by the submitters: PubMed 21376568 (cited by Labcorp Genetics (formerly Invitae), Labcorp); PubMed 24362816 (cited by Labcorp Genetics (formerly Invitae), Labcorp).